The following is an entry in ClinVar:

ClinVar aggregate classification (germline): Uncertain significance (1 of 4 stars; one submission).

Conditions:
Dyskeratosis congenita, autosomal dominant 1 (DKCA1). Also called: Dyskeratosis congenita Scoggins type. Identifiers: Orphanet 1775, MedGen C4551974, MONDO:0007485, OMIM 127550. Inheritance: Variable.

Submission:

Labcorp Genetics (formerly Invitae), Labcorp
Classification: Uncertain significance for Dyskeratosis congenita, autosomal dominant 1. Last evaluated: 2023-08-27. Review status: criteria provided, single submitter. Criteria: Invitae Variant Classification Sherloc (09022015). Collection method: clinical testing. Allele origin: germline.
Comment: This variant occurs in the TERC gene, which encodes an RNA molecule that does not result in a protein product. This variant is not present in population databases (gnomAD no frequency). This variant is located within the BoxH/ACA scaRNA domain of the TERC RNA component, which is required for telomerase activity (PMID: 21844345). In summary, the available evidence is currently insufficient to determine the role of this variant in disease. Therefore, it has been classified as a Variant of Uncertain Significance. This variant has not been reported in the literature in individuals affected with TERC-related conditions.

Literature cited by the submitters: PubMed 21844345.

NC_000003.12:g.169764676C>G

Gene: TERC (telomerase RNA component; minus strand). Cytogenetic location: 3q26.2.
Variant type: single nucleotide variant.
Genome position: GRCh38 VCF-style: chr3-169764676-C-G. GRCh37 (hg19) VCF-style: chr3-169482464-C-G.
Identifiers: ClinVar variation 2755427 (VCV002755427.3), dbSNP rs2108182814, ClinGen allele CA436714875.